The following is an entry in ClinVar:

ClinVar aggregate classification (germline): Benign/Likely benign. Review status: criteria provided, multiple submitters, no conflicts (2 of 4 stars). 6 submissions from 6 submitters: Benign (3); Likely benign (3). Last evaluated 2026-05-11.

Allele frequency attached by ClinVar (database versions not stated): 1000 Genomes Project 0.00020; 1000 Genomes Project 30x 0.00031; gnomAD 0.00060 and 0.00064; TOPMed 0.00072; ESP Exome Variant Server 0.00108.
gnomAD v4.1: 1,238 of 1,614,136 alleles (0.077%); highest among the groups gnomAD compares: Non-Finnish European, 0.1%; 1 homozygote.

Submissions (7):

Women's Health and Genetics/Laboratory Corporation of America, LabCorp
Classification: Likely benign. Last evaluated: 2026-05-11. Review status: criteria provided, single submitter. Criteria: LabCorp Variant Classification Summary - May 2015. Collection method: clinical testing. Allele origin: germline.

Labcorp Genetics (formerly Invitae), Labcorp
Classification: Benign. Last evaluated: 2025-11-01. Review status: criteria provided, single submitter. Criteria: Invitae Variant Classification Sherloc (09022015). Collection method: clinical testing. Allele origin: germline.

CeGaT Center for Human Genetics Tuebingen
Classification: Likely benign. Last evaluated: 2025-03-01. Review status: criteria provided, single submitter. Criteria: CeGaT Center For Human Genetics Tuebingen Variant Classification Criteria Version 2. Collection method: clinical testing. Allele origin: germline. Affected: yes. Observed: 3 variant alleles.
Comment: SRCAP: BP4, BP7

Blueprint Genetics
Classification: Likely benign. Last evaluated: 2024-11-21. Review status: criteria provided, single submitter. Criteria: ACMG Guidelines, 2015. Collection method: clinical testing. Allele origin: germline.

Eurofins Ntd Llc (ga)
Classification: Benign. Last evaluated: 2016-04-07. Review status: criteria provided, single submitter. Criteria: EGL Classification Definitions 2015. Collection method: clinical testing. Allele origin: germline. Observed: 1 variant allele, 1 heterozygote.

Breakthrough Genomics
Classification: Benign. Review status: criteria provided, single submitter. Criteria: ACMG Guidelines, 2015. Collection method: not provided. Allele origin: germline. Inheritance: Autosomal dominant inheritance. Affected: yes.

Dr. Peter K. Rogan Lab, Western University
No classification provided (evidence only). Condition: Clear cell carcinoma of kidney. Review status: no classification provided. Collection method: in vitro. Allele origin: not applicable. Functional consequence: retained intron. Not counted in ClinVar's aggregate classification.

NM_006662.3(SRCAP):c.4563T>A (p.Pro1521=)

Gene: SRCAP (Snf2 related CREBBP activator protein; plus strand). Cytogenetic location: 16p11.2.
Variant type: single nucleotide variant.
Coding change: c.4563T>A on transcript NM_006662.3 (MANE Select); coding-DNA position 4563, T replaced by A.
Protein change: p.Pro1521=; no amino-acid change (proline 1521 retained).
Molecular consequence: synonymous variant.
Genome position (GRCh38, 1-based): chr16:30,723,987, T>A. VCF-style: chr16-30723987-T-A. GRCh37 (hg19) VCF-style: chr16-30735308-T-A.
Identifiers: ClinVar variation 287141 (VCV000287141.42), dbSNP rs138541811, ClinGen allele CA8011770.